The following is an entry in ClinVar:

ClinVar aggregate classification (germline): Uncertain significance. Review status: criteria provided, multiple submitters, no conflicts (2 of 4 stars). 3 submissions from 3 submitters: Uncertain significance (3). Last evaluated 2025-08-21.

Conditions:
Inborn genetic diseases. Identifiers: MedGen C0950123, MeSH D030342.

gnomAD v4.1: 5 of 1,554,632 alleles (0.00032%); highest among the groups gnomAD compares: African/African-American, 0.0041%; no homozygotes.

Submissions (3):

Ambry Genetics
Classification: Uncertain significance for Inborn genetic diseases. Last evaluated: 2025-08-21. Review status: criteria provided, single submitter. Criteria: Ambry Variant Classification Scheme 2023. Collection method: clinical testing. Allele origin: germline.

Dasa
Classification: Uncertain significance. Last evaluated: 2025-03-12. Review status: criteria provided, single submitter. Criteria: DASA Assertion Criteria. Collection method: clinical testing. Allele origin: germline.
Comment: NM_001844.5(COL2A1):c.2377C>A (p.Pro793Thr) is a missense variant that results in the substitution of proline with threonine. This variant is rare in population databases. The currently available literature and clinical evidence are not sufficient to establish a definitive association between this variant and the reported condition. Therefore, this variant is classified as a variant of uncertain significance.

GeneDx
Classification: Uncertain significance. Last evaluated: 2025-03-12. Review status: criteria provided, single submitter. Criteria: GeneDx Variant Classification Process June 2021. Collection method: clinical testing. Allele origin: germline. Affected: yes.
Comment: Not observed at significant frequency in large population cohorts (gnomAD); In silico analysis supports that this missense variant has a deleterious effect on protein structure/function; Occurs in the triple helical domain at the X position in the canonical Gly-X-Y repeat; although this variant may have an effect on normal protein folding and function, missense substitution at the X position is not a common mechanism of disease (HGMD); Has not been previously published as pathogenic or benign to our knowledge

NM_001844.5(COL2A1):c.2377C>A (p.Pro793Thr)

Gene: COL2A1 (collagen type II alpha 1 chain; minus strand). Cytogenetic location: 12q13.11.
Variant type: single nucleotide variant.
Coding change: c.2377C>A on transcript NM_001844.5 (MANE Select); coding-DNA position 2377, C replaced by A.
Protein change: p.Pro793Thr; replaces proline 793 with threonine.
Molecular consequence: missense variant.
Genome position (GRCh38, 1-based): chr12:47,981,808, G>T on the plus strand (C>A on the coding strand, the complement: COL2A1 is on the minus strand). VCF-style: chr12-47981808-G-T. GRCh37 (hg19) VCF-style: chr12-48375591-G-T.
Other names: c.2170C>A, p.Pro724Thr (NM_033150.3); short protein forms P724T, P793T.
Identifiers: ClinVar variation 4083226 (VCV004083226.4).
Genomic context (GRCh38, chr12:47,981,808, plus strand): 5'-TGTGGAGAGGAAAGGAGCCGGGACTCACCTTCTCGCCATTAGCACCAGCTGGGCCAGGGG[G>T]GCCAATGGGACCTGTCAGGCCCTGCGGGGAGAGCAGGTAGAGGTGAGGGAGGCAGGCTGA-3'
Protein context (NP_001835.3, residues 783-803): GGRGLTGPIG[Pro793Thr]PGPAGANGEK